The following is an entry in ClinVar:

NM_020207.7(ERCC6L2):c.32A>G (p.Glu11Gly)

Gene: ERCC6L2 (ERCC excision repair 6 like 2; plus strand). Cytogenetic location: 9q22.32.
Variant type: single nucleotide variant.
Coding change: c.32A>G on transcript NM_020207.7 (MANE Select); coding-DNA position 32, A replaced by G.
Protein change: p.Glu11Gly; replaces glutamic acid 11 with glycine.
Molecular consequence: missense variant. On other transcripts: non-coding transcript variant (1).
Genome position (GRCh38, 1-based): chr9:95,876,070, A>G. VCF-style: chr9-95876070-A-G. GRCh37 (hg19) VCF-style: chr9-98638352-A-G.
Other names: c.32A>G, p.Glu11Gly (NM_001010895.4, NM_001375291.1, NM_001375292.1 and 2 more transcripts); short protein forms E11G.
Identifiers: ClinVar variation 4250540 (VCV004250540.1).

ClinVar aggregate classification (germline): Uncertain significance (1 of 4 stars; one submission).

Conditions:
Inborn genetic diseases. Identifiers: MedGen C0950123, MeSH D030342.

Submission:

Ambry Genetics
Classification: Uncertain significance for Inborn genetic diseases. Last evaluated: 2025-06-15. Review status: criteria provided, single submitter. Criteria: Ambry Variant Classification Scheme 2023. Collection method: clinical testing. Allele origin: germline.
Comment: The p.E11G variant (also known as c.32A>G), located in coding exon 1 of the ERCC6L2 gene, results from an A to G substitution at nucleotide position 32. The glutamic acid at codon 11 is replaced by glycine, an amino acid with similar properties. This amino acid position is conserved. In addition, this alteration is predicted to be tolerated by in silico analysis. Based on the available evidence, the clinical significance of this variant remains unclear.